The following is an entry in ClinVar:

NM_003743.5(NCOA1):c.3797C>A (p.Ser1266Tyr)

Gene: NCOA1 (nuclear receptor coactivator 1; plus strand). Cytogenetic location: 2p23.3.
Variant type: single nucleotide variant.
Coding change: c.3797C>A on transcript NM_003743.5 (MANE Select); coding-DNA position 3797, C replaced by A.
Protein change: p.Ser1266Tyr; replaces serine 1266 with tyrosine.
Molecular consequence: missense variant.
Genome position (GRCh38, 1-based): chr2:24,752,072, C>A. VCF-style: chr2-24752072-C-A. GRCh37 (hg19) VCF-style: chr2-24974941-C-A.
Other names: c.3797C>A, p.Ser1266Tyr (NM_001362950.1, NM_001362952.1, NM_001362954.1 and 3 more transcripts); short protein forms S1266Y.
Identifiers: ClinVar variation 3349425 (VCV003349425.1).

ClinVar aggregate classification (germline): Uncertain significance (0 of 4 stars; one submission).

Conditions:
NCOA1-related disorder. Also called: NCOA1-related condition.

Submission:

PreventionGenetics, part of Exact Sciences
Classification: Uncertain significance for NCOA1-related condition. Last evaluated: 2024-09-01. Review status: no assertion criteria provided. Collection method: clinical testing. Allele origin: germline.
Comment: The NCOA1 c.3797C>A variant is predicted to result in the amino acid substitution p.Ser1266Tyr. To our knowledge, this variant has not been reported in the literature or in a large population database, indicating this variant is rare. At this time, the clinical significance of this variant is uncertain due to the absence of conclusive functional and genetic evidence.